The following is an entry in ClinVar:

NM_177438.3(DICER1):c.2592A>C (p.Ala864=)

Gene: DICER1 (dicer 1, ribonuclease III; minus strand). Cytogenetic location: 14q32.13.
Variant type: single nucleotide variant.
Coding change: c.2592A>C on transcript NM_177438.3 (MANE Select); coding-DNA position 2592, A replaced by C.
Protein change: p.Ala864=; no amino-acid change (alanine 864 retained).
Molecular consequence: synonymous variant.
Genome position (GRCh38, 1-based): chr14:95,107,938, T>G on the plus strand (A>C on the coding strand, the complement: DICER1 is on the minus strand). VCF-style: chr14-95107938-T-G. GRCh37 (hg19) VCF-style: chr14-95574275-T-G.
Other names: c.2592A>C, p.Ala864= (NM_001195573.1, NM_001271282.3, NM_001291628.2 and 1 more transcripts).
Identifiers: ClinVar variation 765792 (VCV000765792.15), dbSNP rs759550674, ClinGen allele CA7331220.
Genomic context (GRCh38, chr14:95,107,938, plus strand): 5'-ACCAACATTAAGAGGTAGAACACAGTATGCTGAATCAGCGTCTGTAGGTTTAAATTCTAG[T>G]GCAGGTTTTTCAAGCCGAAGAATATGTGAGAATATATACTGGTGAAGTCTTGTAATCAAC-3'
Protein context (NP_803187.1, residues 854-874): FSHILRLEKP[Ala864=]LEFKPTDADS

ClinVar aggregate classification (germline): Benign/Likely benign. Review status: criteria provided, multiple submitters, no conflicts (2 of 4 stars). 4 submissions from 4 submitters: Benign (1); Likely benign (3). Last evaluated 2026-04-16.

Conditions:
DICER1-related tumor predisposition. Also called: DICER1 syndrome; DICER1-related pleuropulmonary blastoma cancer predisposition syndrome. Identifiers: Orphanet 284343, MedGen C3839822, MONDO:0100216.
Hereditary cancer-predisposing syndrome. Also called: Tumor predisposition; Hereditary Cancer Syndrome; Hereditary neoplastic syndrome; Neoplastic Syndromes, Hereditary. Identifiers: Orphanet 140162, MedGen C0027672, MeSH D009386, MONDO:0015356.

Allele frequency attached by ClinVar (database versions not stated): ExAC 0.00001.
gnomAD v4.1: 2 of 1,614,076 alleles (0.00012%); highest among the groups gnomAD compares: Non-Finnish European, 0.00017%; no homozygotes.

Submissions (4):

Myriad Genetics, Inc.
Classification: Benign for DICER1-related tumor predisposition. Last evaluated: 2026-04-16. Review status: criteria provided, single submitter. Criteria: Myriad Autosomal Dominant, Autosomal Recessive and X-Linked Classification Criteria (2023). Collection method: clinical testing. Allele origin: unknown.
Comment: This variant is considered benign. This variant is a silent/synonymous amino acid change and it is not expected to impact splicing.

Labcorp Genetics (formerly Invitae), Labcorp
Classification: Likely benign for DICER1-related tumor predisposition. Last evaluated: 2024-11-10. Review status: criteria provided, single submitter. Criteria: Invitae Variant Classification Sherloc (09022015). Collection method: clinical testing. Allele origin: germline.

Sema4
Classification: Likely benign for Hereditary cancer-predisposing syndrome. Last evaluated: 2021-11-29. Review status: criteria provided, single submitter. Criteria: Sema4 Curation Guidelines. Collection method: curation. Allele origin: germline.

Ambry Genetics
Classification: Likely benign for Hereditary cancer-predisposing syndrome. Last evaluated: 2021-05-17. Review status: criteria provided, single submitter. Criteria: Ambry Variant Classification Scheme 2023. Collection method: clinical testing. Allele origin: germline.